The following is an entry in ClinVar:

ClinVar aggregate classification (germline): Conflicting classifications of pathogenicity. Review status: criteria provided, conflicting classifications (1 of 4 stars). 5 submissions from 5 submitters: Uncertain significance (1); Likely benign (3). 1 of the submissions does not count toward it. Last evaluated 2025-05-30.

Conditions:
VPS13B-related disorder. Also called: VPS13B-related condition.
Inborn genetic diseases. Identifiers: MedGen C0950123, MeSH D030342.
Cohen syndrome (COH1). Also called: Cutis verticis gyrata, retinitis pigmentosa, and sensorineural deafness; PEPPER SYNDROME. Identifiers: Orphanet 193, MedGen C0265223, MONDO:0008999, OMIM 216550.

Allele frequency attached by ClinVar (database versions not stated): gnomAD exomes 0.00001 and 0.00002; ExAC 0.00004; gnomAD 0.00007 and 0.00009; TOPMed 0.00009; ESP Exome Variant Server 0.00031.
gnomAD v4.1: 19 of 1,613,854 alleles (0.0012%); highest among the groups gnomAD compares: African/African-American, 0.024%; no homozygotes.

Submissions (5):

Labcorp Genetics (formerly Invitae), Labcorp
Classification: Likely benign for Cohen syndrome. Last evaluated: 2025-05-30. Review status: criteria provided, single submitter. Criteria: Invitae Variant Classification Sherloc (09022015). Collection method: clinical testing. Allele origin: germline.

PreventionGenetics, part of Exact Sciences
Classification: Likely benign for VPS13B-related condition. Last evaluated: 2024-10-15. Review status: criteria provided, single submitter. Criteria: ACMG Guidelines, 2015. Collection method: clinical testing. Allele origin: germline.
Comment: This variant is classified as likely benign based on ACMG/AMP sequence variant interpretation guidelines (Richards et al. 2015 PMID: 25741868, with internal and published modifications).

Ambry Genetics
Classification: Likely benign for Inborn genetic diseases. Last evaluated: 2017-06-15. Review status: criteria provided, single submitter. Criteria: Ambry Variant Classification Scheme 2023. Collection method: clinical testing. Allele origin: germline.

Eurofins Ntd Llc (ga)
Classification: Uncertain significance. Last evaluated: 2013-08-08. Review status: criteria provided, single submitter. Criteria: EGL Classification Definitions 2015. Collection method: clinical testing. Allele origin: germline. Observed: 1 variant allele, 1 heterozygote.

Counsyl
Classification: Likely benign for Cohen syndrome. Last evaluated: 2017-12-28. Review status: no assertion criteria provided. Collection method: clinical testing. Allele origin: unknown. Not counted in ClinVar's aggregate classification.

NM_152564.5(VPS13B):c.7950C>T (p.His2650=)

Gene: VPS13B (vacuolar protein sorting 13 homolog B; plus strand). Cytogenetic location: 8q22.2.
Variant type: single nucleotide variant.
Coding change: c.7950C>T on transcript NM_152564.5 (MANE Select); coding-DNA position 7950, C replaced by T.
Protein change: p.His2650=; no amino-acid change (histidine 2650 retained).
Molecular consequence: synonymous variant.
Genome position (GRCh38, 1-based): chr8:99,809,383, C>T. VCF-style: chr8-99809383-C-T. GRCh37 (hg19) VCF-style: chr8-100821611-C-T.
Other names: c.7950C>T (NM_152564.4); c.8025C>T, p.His2675= (NM_017890.5).
Identifiers: ClinVar variation 95871 (VCV000095871.17), dbSNP rs61754503, ClinGen allele CA223500.